The following is an entry in ClinVar:

ClinVar aggregate classification (germline): Uncertain significance. Review status: criteria provided, multiple submitters, no conflicts (2 of 4 stars). 2 submissions from 2 submitters: Uncertain significance (2). Last evaluated 2022-06-09.

Allele frequency attached by ClinVar (database versions not stated): gnomAD exomes below 0.00001.
gnomAD v4.1: 1 of 1,612,004 alleles (0.000062%); highest among the groups gnomAD compares: Non-Finnish European, 0.000085%; no homozygotes.

Submissions (2):

Ambry Genetics
Classification: Uncertain significance. Last evaluated: 2022-06-09. Review status: criteria provided, single submitter. Criteria: Ambry Variant Classification Scheme 2023. Collection method: clinical testing. Allele origin: germline.

Labcorp Genetics (formerly Invitae), Labcorp
Classification: Uncertain significance. Last evaluated: 2022-04-25. Review status: criteria provided, single submitter. Criteria: Invitae Variant Classification Sherloc (09022015). Collection method: clinical testing. Allele origin: germline.
Comment: In summary, the available evidence is currently insufficient to determine the role of this variant in disease. Therefore, it has been classified as a Variant of Uncertain Significance. Algorithms developed to predict the effect of sequence changes on RNA splicing suggest that this variant may disrupt the consensus splice site. Algorithms developed to predict the effect of missense changes on protein structure and function (SIFT, PolyPhen-2, Align-GVGD) all suggest that this variant is likely to be tolerated. This variant has not been reported in the literature in individuals affected with STAT4-related conditions. This variant is not present in population databases (gnomAD no frequency). This sequence change replaces isoleucine, which is neutral and non-polar, with valine, which is neutral and non-polar, at codon 704 of the STAT4 protein (p.Ile704Val).

NM_003151.4(STAT4):c.2110A>G (p.Ile704Val)

Genes: STAT4 (signal transducer and activator of transcription 4; minus strand), STAT4-AS1 (STAT4 antisense RNA 1; plus strand). Cytogenetic location: 2q32.2.
Variant type: single nucleotide variant.
Coding change: c.2110A>G on transcript NM_003151.4 (MANE Select); coding-DNA position 2110, A replaced by G.
Protein change: p.Ile704Val; replaces isoleucine 704 with valine.
Molecular consequence: missense variant.
Genome position (GRCh38, 1-based): chr2:191,031,451, T>C on the plus strand (A>G on the coding strand, the complement: STAT4 is on the minus strand). VCF-style: chr2-191031451-T-C. GRCh37 (hg19) VCF-style: chr2-191896177-T-C.
Other names: c.2110A>G, p.Ile704Val (NM_001243835.2); short protein forms I704V.
Identifiers: ClinVar variation 1960810 (VCV001960810.6), dbSNP rs2470637538, ClinGen allele CA349906525.